The following is an entry in ClinVar:

NM_005236.3(ERCC4):c.2075G>A (p.Arg692Gln)

Gene: ERCC4 (ERCC excision repair 4, endonuclease catalytic subunit; plus strand). Cytogenetic location: 16p13.12.
Variant type: single nucleotide variant.
Coding change: c.2075G>A on transcript NM_005236.3 (MANE Select); coding-DNA position 2075, G replaced by A.
Protein change: p.Arg692Gln; replaces arginine 692 with glutamine.
Molecular consequence: missense variant.
Genome position (GRCh38, 1-based): chr16:13,947,671, G>A. VCF-style: chr16-13947671-G-A. GRCh37 (hg19) VCF-style: chr16-14041528-G-A.
Other names: short protein forms R692Q.
Identifiers: ClinVar variation 2201743 (VCV002201743.4), dbSNP rs777853585, ClinGen allele CA7910668.

ClinVar aggregate classification (germline): Uncertain significance (1 of 4 stars; one submission).

Conditions:
Xeroderma pigmentosum, group F (XPF). Also called: XERODERMA PIGMENTOSUM VI; XP, GROUP F; XERODERMA PIGMENTOSUM, COMPLEMENTATION GROUP F; ERCC4-Related Xeroderma Pigmentosum; XERODERMA PIGMENTOSUM, TYPE F; Xeroderma pigmentosum, type 6. Identifiers: MedGen C0268140, MONDO:0010215, OMIM 278760.
Cockayne syndrome. Identifiers: Orphanet 191, MedGen C0009207, MONDO:0016006.
Fanconi anemia complementation group Q. Identifiers: Orphanet 84, MedGen C3808988, MONDO:0014108, OMIM 615272.

Allele frequency attached by ClinVar (database versions not stated): TOPMed 0.00002; gnomAD 0.00003.
gnomAD v4.1: 15 of 1,614,178 alleles (0.00093%); highest among the groups gnomAD compares: Middle Eastern, 0.082%; no homozygotes.

Submission:

Labcorp Genetics (formerly Invitae), Labcorp
Classification: Uncertain significance for Fanconi anemia complementation group Q; Xeroderma pigmentosum, group F; Cockayne syndrome. Last evaluated: 2023-06-23. Review status: criteria provided, single submitter. Criteria: Invitae Variant Classification Sherloc (09022015). Collection method: clinical testing. Allele origin: germline.
Comment: This variant has not been reported in the literature in individuals affected with ERCC4-related conditions. This variant is present in population databases (rs777853585, gnomAD 0.002%). This sequence change replaces arginine, which is basic and polar, with glutamine, which is neutral and polar, at codon 692 of the ERCC4 protein (p.Arg692Gln). ClinVar contains an entry for this variant (Variation ID: 2201743). In summary, the available evidence is currently insufficient to determine the role of this variant in disease. Therefore, it has been classified as a Variant of Uncertain Significance. Advanced modeling of protein sequence and biophysical properties (such as structural, functional, and spatial information, amino acid conservation, physicochemical variation, residue mobility, and thermodynamic stability) performed at Invitae indicates that this missense variant is expected to disrupt ERCC4 protein function.